The following is an entry in ClinVar:

ClinVar aggregate classification (germline): Uncertain significance (1 of 4 stars; one submission).

Submission:

Labcorp Genetics (formerly Invitae), Labcorp
Classification: Uncertain significance. Last evaluated: 2021-07-17. Review status: criteria provided, single submitter. Criteria: Invitae Variant Classification Sherloc (09022015). Collection method: clinical testing. Allele origin: germline.
Comment: This variant has not been reported in the literature in individuals affected with COL9A3-related conditions. This variant is not present in population databases (ExAC no frequency). This sequence change falls in intron 18 of the COL9A3 gene. It does not directly change the encoded amino acid sequence of the COL9A3 protein. It affects a nucleotide within the consensus splice site of the intron. Nucleotide substitutions within the consensus splice site are a relatively common cause of aberrant splicing (PMID: 17576681, 9536098). Algorithms developed to predict the effect of sequence changes on RNA splicing suggest that this variant may create or strengthen a splice site. In summary, the available evidence is currently insufficient to determine the role of this variant in disease. Therefore, it has been classified as a Variant of Uncertain Significance.

Literature cited by the submitters: PubMed 17576681; PubMed 9536098.

NM_001853.4(COL9A3):c.954+6C>T

Gene: COL9A3 (collagen type IX alpha 3 chain; plus strand). Cytogenetic location: 20q13.33.
Variant type: single nucleotide variant.
Coding change: c.954+6C>T on transcript NM_001853.4 (MANE Select); 6 bases into the intron after coding-DNA position 954, C replaced by T.
Molecular consequence: intron variant.
Genome position (GRCh38, 1-based): chr20:62,828,823, C>T. VCF-style: chr20-62828823-C-T. GRCh37 (hg19) VCF-style: chr20-61460175-C-T.
Identifiers: ClinVar variation 1450862 (VCV001450862.6), dbSNP rs2147214138, ClinGen allele CA2573157264.
Genomic context (GRCh38, chr20:62,828,823, plus strand): 5'-GGGCATGCCGGGCAAGGACGGCCAGAATGGCGTGCCAGGACTCGATGGCCAGAAGGTTGG[C>T]ATGGGGCTCAGGGTGTGACGGGAGGGAGGGGGCTGGAGGGGAGTTCGGCCTCCCGAGGCC-3'